The following is an entry in ClinVar:

ClinVar aggregate classification (germline): Benign (1 of 4 stars; one submission).

Allele frequency attached by ClinVar (database versions not stated): gnomAD 0.71573 and 0.71630; TOPMed 0.72303; 1000 Genomes Project 30x 0.73626; 1000 Genomes Project 0.73642.
gnomAD v4.1: 108,748 of 152,054 alleles (72%); highest among the groups gnomAD compares: East Asian, 82%; 39,122 homozygotes.

Submission:

GeneDx
Classification: Benign. Last evaluated: 2018-06-14. Review status: criteria provided, single submitter. Criteria: GeneDx Variant Classification (06012015). Collection method: clinical testing. Allele origin: germline. Affected: yes.
Comment: This variant is considered likely benign or benign based on one or more of the following criteria: it is a conservative change, it occurs at a poorly conserved position in the protein, it is predicted to be benign by multiple in silico algorithms, and/or has population frequency not consistent with disease.

NM_015915.5(ATL1):c.990+245G>A

Gene: ATL1 (atlastin GTPase 1; plus strand). Cytogenetic location: 14q22.1.
Variant type: single nucleotide variant.
Coding change: c.990+245G>A on transcript NM_015915.5 (MANE Select); 245 bases into the intron after coding-DNA position 990, G replaced by A.
Molecular consequence: intron variant.
Genome position (GRCh38, 1-based): chr14:50,620,971, G>A. VCF-style: chr14-50620971-G-A. GRCh37 (hg19) VCF-style: chr14-51087689-G-A.
Other names: c.990+245G>A (NM_001127713.1, NM_181598.4).
Identifiers: ClinVar variation 678069 (VCV000678069.1), dbSNP rs963626, ClinGen allele CA15833376.